The following is an entry in ClinVar:

NM_007294.4(BRCA1):c.1226T>G (p.Val409Gly)

Gene: BRCA1 (BRCA1 DNA repair associated; minus strand). Cytogenetic location: 17q21.31.
Variant type: single nucleotide variant.
Coding change: c.1226T>G on transcript NM_007294.4 (MANE Select); coding-DNA position 1226, T replaced by G.
Protein change: p.Val409Gly; replaces valine 409 with glycine.
Molecular consequence: missense variant. On other transcripts: intron variant (137).
Genome position (GRCh38, 1-based): chr17:43,094,305, A>C on the plus strand (T>G on the coding strand, the complement: BRCA1 is on the minus strand). VCF-style: chr17-43094305-A-C. GRCh37 (hg19) VCF-style: chr17-41246322-A-C.
Other names: c.1013T>G, p.Val338Gly (NM_001407571.1, NM_001407853.1, NM_001407894.1 and 9 more transcripts); c.1226T>G, p.Val409Gly (NM_001407581.1, NM_001407582.1, NM_001407583.1 and 30 more transcripts); c.1223T>G, p.Val408Gly (NM_001407587.1, NM_001407590.1, NM_001407591.1 and 22 more transcripts); c.1217T>G, p.Val406Gly (NM_001407646.1, NM_001407647.1); c.1103T>G, p.Val368Gly (NM_001407648.1, NM_001407664.1, NM_001407665.1 and 19 more transcripts); c.1100T>G, p.Val367Gly (NM_001407649.1, NM_001407670.1, NM_001407671.1 and 11 more transcripts); c.1148T>G, p.Val383Gly (NM_001407653.1, NM_001407654.1, NM_001407655.1 and 4 more transcripts); c.1145T>G, p.Val382Gly (NM_001407659.1, NM_001407660.1, NM_001407661.1 and 1 more transcripts); and 40 more; short protein forms V362G, V409G, V298G, V338G, V361G, V406G, V408G, V320G.
Identifiers: ClinVar variation 1002154 (VCV001002154.12), dbSNP rs786202539, ClinGen allele CA10599597.
Genomic context (GRCh38, chr17:43,094,305, plus strand): 5'-ATTTTCTCTGAAGAACCAGAATATTCATCTACCTCATTTAGAACGTCCAATACATCAGCT[A>C]CTTTGGCATTTGATTCAGACTCCCCATCATGTGAGTCATCAGAACCTAACAGTTCATCAC-3'
Protein context (NP_009225.1, residues 399-419): HDGESESNAK[Val409Gly]ADVLDVLNEV

ClinVar aggregate classification (germline): Conflicting classifications of pathogenicity. Review status: criteria provided, conflicting classifications (1 of 4 stars). 3 submissions from 3 submitters: Uncertain significance (2); Likely benign (1). Last evaluated 2025-10-07.

Conditions:
Hereditary cancer-predisposing syndrome. Also called: Neoplastic Syndromes, Hereditary; Tumor predisposition; Hereditary Cancer Syndrome; Hereditary neoplastic syndrome. Identifiers: Orphanet 140162, MedGen C0027672, MeSH D009386, MONDO:0015356.
Hereditary breast ovarian cancer syndrome. Also called: Hereditary breast and ovarian cancer syndrome; Hereditary breast and/or ovarian cancer syndrome; Hereditary breast and ovarian cancer syndrome (HBOC); Breast and ovarian cancer; BRCA1- and BRCA2-Associated Hereditary Breast and Ovarian Cancer; Hereditary breast and ovarian cancer. Identifiers: Orphanet 145, MedGen C0677776, MeSH D061325, MONDO:0003582. Disease mechanism: loss of function.

Submissions (3):

Labcorp Genetics (formerly Invitae), Labcorp
Classification: Uncertain significance for Hereditary breast ovarian cancer syndrome. Last evaluated: 2025-10-07. Review status: criteria provided, single submitter. Criteria: Invitae Variant Classification Sherloc (09022015). Collection method: clinical testing. Allele origin: germline.
Comment: This sequence change replaces valine, which is neutral and non-polar, with glycine, which is neutral and non-polar, at codon 409 of the BRCA1 protein (p.Val409Gly). This variant is not present in population databases (gnomAD no frequency). This variant has not been reported in the literature in individuals affected with BRCA1-related conditions. ClinVar contains an entry for this variant (Variation ID: 1002154). Invitae Evidence Modeling of protein sequence and biophysical properties (such as structural, functional, and spatial information, amino acid conservation, physicochemical variation, residue mobility, and thermodynamic stability) indicates that this missense variant is not expected to disrupt BRCA1 protein function with a negative predictive value of 80%. In summary, the available evidence is currently insufficient to determine the role of this variant in disease. Therefore, it has been classified as a Variant of Uncertain Significance.

University of Washington Department of Laboratory Medicine, University of Washington
Classification: Likely benign for Hereditary cancer-predisposing syndrome. Last evaluated: 2023-03-23. Review status: criteria provided, single submitter. Criteria: Dines et al. (Genet Med. 2020). Collection method: curation. Allele origin: germline.
Comment: Missense variant in a coldspot region where missense variants are very unlikely to be pathogenic (PMID:31911673).

BRCA1 coldspot (exon 11 using historical exon numbering). Reclassification based on statistical prior probability

Ambry Genetics
Classification: Uncertain significance for Hereditary cancer-predisposing syndrome. Last evaluated: 2021-06-23. Review status: criteria provided, single submitter. Criteria: Ambry Variant Classification Scheme 2023. Collection method: clinical testing. Allele origin: germline.
Comment: The p.V409G variant (also known as c.1226T>G), located in coding exon 9 of the BRCA1 gene, results from a T to G substitution at nucleotide position 1226. The valine at codon 409 is replaced by glycine, an amino acid with dissimilar properties. This amino acid position is not well conserved in available vertebrate species. In addition, the in silico prediction for this alteration is inconclusive. Since supporting evidence is limited at this time, the clinical significance of this alteration remains unclear.